The following is an entry in ClinVar:

ClinVar aggregate classification (germline): Pathogenic. Review status: criteria provided, single submitter (1 of 4 stars). 3 submissions from 3 submitters: Pathogenic (1). 2 of the submissions do not count toward it. Last evaluated 2024-09-09.

Conditions:
CDKL5 disorder. Identifiers: MedGen CN296942, MONDO:0100039.
Developmental and epileptic encephalopathy, 2 (DEE2). Also called: INFANTILE SPASM SYNDROME, X-LINKED 2; CDKL5 deficiency disorder. Identifiers: Orphanet 1934, Orphanet 3451, Orphanet 505652, MedGen C4750718, MONDO:0010396, OMIM 300672.
Angelman syndrome (AS). Also called: HAPPY PUPPET SYNDROME. Identifiers: Orphanet 72, MedGen C0162635, MONDO:0007113, OMIM 105830. Disease mechanism: loss of function. Inheritance: AS is caused by disruption of maternally imprinted UBE3A located within the 15q11.2-q13 Angelman syndrome/Prader-Willi syndrome (AS/PWS) region., imprinting disorder.

Submissions (3):

Centre for Population Genomics, CPG
Classification: Pathogenic for CDKL5 disorder. Last evaluated: 2024-09-09. Review status: criteria provided, single submitter. Criteria: McKnight et al. (Hum Mutat. 2022). Collection method: curation. Allele origin: germline. Inheritance: X-linked inheritance.
Comment: This variant has been collected from RettBASE and curated to current modified ACMG/AMP criteria. Based on the classification scheme defined by the ClinGen Rett/Angelman-like Expert Panel for Rett/AS-like Disorders Specifications to the ACMG/AMP Variant Interpretation Guidelines VCEP 3.0, this variant is classified as pathogenic. At least the following criteria are met: Predicted to result in loss of function, and LOF is a known mechanism of disease (PVS1). This variant has been identified as a de novo occurrence in an individual with CDKL5 disorder without confirmation of paternity and maternity (PM6, PMID: 19241098). This variant is absent from gnomAD (PM2_Supporting).

RettBASE
Classification: Pathogenic for Angelman syndrome-like. Last evaluated: 2014-03-13. Review status: no assertion criteria provided. Collection method: curation. Allele origin: de novo. Affected: yes. Observed: 1 variant allele. Not counted in ClinVar's aggregate classification.

OMIM
Classification: Pathogenic for DEVELOPMENTAL AND EPILEPTIC ENCEPHALOPATHY 2. Last evaluated: 2009-07-01. Review status: no assertion criteria provided. Collection method: literature only. Allele origin: germline. Not counted in ClinVar's aggregate classification.

Literature cited by the submitters: PubMed 19241098 (cited by RettBASE and OMIM).

NM_001323289.2(CDKL5):c.902_903dup (p.Leu302fs)

Gene: CDKL5 (cyclin dependent kinase like 5; plus strand). Cytogenetic location: Xp22.13.
Variant type: Microsatellite.
Coding change: c.902_903dup on transcript NM_001323289.2 (MANE Select); coding-DNA positions 902 to 903, 2 bases duplicated (GA; older notation c.902_903dupGA).
Protein change: p.Leu302fs; shifts the reading frame from leucine 302.
Molecular consequence: frameshift variant.
Genome position (GRCh38, 1-based): chrX:18,598,538-18,598,539, GA duplicated; duplicating any 2 consecutive bases within chrX:18,598,535-18,598,539 gives the same sequence; the c. name uses the placement nearest the transcript's 3' end. VCF-style (leftmost placement, unchanged base first): chrX-18598534-C-CAG. GRCh37 (hg19) VCF-style: chrX-18616654-C-CAG.
Other names: NM_001323289.2(CDKL5):c.902_903dup; p.Leu302fs; c.902_903dupGA (NM_003159.2); c.902_903dup, p.Leu302fs (NM_001037343.2, NM_003159.3); short protein forms L302fs.
Identifiers: ClinVar variation 143838 (VCV000143838.5), dbSNP rs267608546, ClinGen allele CA333292.
Genomic context (GRCh38, chrX:18,598,534, plus strand): 5'-TTGGACCCAGCTGACAGATACTTGACAGAACAGTGTTTGAATCACCCTACATTTCAAACC[C>CAG]AGAGACTTCTGGATCGTTCTCCTTCAAGGTCAGCAAAAAGAAAACCTTACCATGTGGAAA-3'